The following is an entry in ClinVar:

NM_000135.4(FANCA):c.3349-2del

Gene: FANCA (FA complementation group A; minus strand). Cytogenetic location: 16q24.3.
Variant type: Deletion.
Coding change: c.3349-2del on transcript NM_000135.4 (MANE Select); the canonical splice acceptor site of the intron before coding-DNA position 3349, one base deleted (A; older notation c.3349-2delA).
Molecular consequence: splice acceptor variant.
Genome position (GRCh38, 1-based): chr16:89,746,892, T deleted on the plus strand (A on the coding strand, the reverse complement: FANCA is on the minus strand). VCF-style (leftmost placement, unchanged base first): chr16-89746891-CT-C. GRCh37 (hg19) VCF-style: chr16-89813299-CT-C.
Other names: c.3349-2del (NM_001286167.3).
Identifiers: ClinVar variation 4817532 (VCV004817532.1).

ClinVar aggregate classification (germline): Pathogenic (1 of 4 stars; one submission).

Conditions:
Fanconi anemia (FA). Also called: Fanconi's anemia. Identifiers: Orphanet 84, MedGen C0015625, MeSH D005199, MONDO:0019391.

Submission:

Natera, Inc.
Classification: Pathogenic for Fanconi anemia. Last evaluated: 2025-07-05. Review status: criteria provided, single submitter. Criteria: Natera Variant Classification Schema (03/2026). Collection method: clinical testing. Allele origin: germline.
Comment: The c.3349-2del variant in FANCA is a canonical splice acceptor site variant predicted to affect pre-mRNA splicing, which may result in an abnormal transcript and altered protein product. This variant is expected to result in nonsense mediated decay, truncation, or a dysfunctional protein product. This variant is rare in the general population with a frequency below the threshold expected for the associated phenotype(s). Another variant at this same site results in an alteration predicted to cause a similar molecular effect has been observed in individual(s) with the associated phenotype. Given the available evidence, this variant is classified as Pathogenic.